The following is an entry in ClinVar:

NM_201599.3(ZMYM3):c.1457G>A (p.Gly486Glu)

Gene: ZMYM3 (zinc finger MYM-type containing 3; minus strand). Cytogenetic location: Xq13.1.
Variant type: single nucleotide variant.
Coding change: c.1457G>A on transcript NM_201599.3 (MANE Select); coding-DNA position 1457, G replaced by A.
Protein change: p.Gly486Glu; replaces glycine 486 with glutamic acid.
Molecular consequence: missense variant.
Genome position (GRCh38, 1-based): chrX:71,249,474, C>T on the plus strand (G>A on the coding strand, the complement: ZMYM3 is on the minus strand). VCF-style: chrX-71249474-C-T. GRCh37 (hg19) VCF-style: chrX-70469324-C-T.
Other names: c.1457G>A, p.Gly486Glu (NM_001171162.1, NM_001171163.1, NM_005096.3); short protein forms G486E.
Identifiers: ClinVar variation 4281917 (VCV004281917.2).
Genomic context (GRCh38, chrX:71,249,474, plus strand): 5'-CACACCCCCTTCCACAGCCCTCTAATGCACTACTCCCTCGGCCCCACCTTCTTGTACGCC[C>T]CCAAGCAGGTTGTGTTGCAGAACCGCTTTTGTTGGCCCTCGTGGAAGAGGAGCTCAGGGC-3'
Protein context (NP_963893.1, residues 476-496): QKRFCNTTCL[Gly486Glu]AYKKKNTRVY

ClinVar aggregate classification (germline): Uncertain significance (1 of 4 stars; one submission).

Submission:

GeneDx
Classification: Uncertain significance. Last evaluated: 2025-12-08. Review status: criteria provided, single submitter. Criteria: GeneDx Variant Classification Process June 2021. Collection method: clinical testing. Allele origin: germline.
Comment: Not observed at significant frequency in large population cohorts (gnomAD); In silico analysis indicates that this missense variant does not alter protein structure/function; Has not been previously published as pathogenic or benign to our knowledge